The following is an entry in ClinVar:

ClinVar aggregate classification (germline): Likely benign. Review status: criteria provided, multiple submitters, no conflicts (2 of 4 stars). 3 submissions from 3 submitters: Likely benign (3). Last evaluated 2026-06-25.

Conditions:
Familial thoracic aortic aneurysm and aortic dissection (TAAD). Also called: Thoracic aortic aneurysms and dissections. Identifiers: Orphanet 91387, MedGen C4707243, MONDO:0019625.

Allele frequency attached by ClinVar (database versions not stated): gnomAD exomes below 0.00001.
gnomAD v4.1: 1 of 1,614,152 alleles (0.000062%); highest among the groups gnomAD compares: Non-Finnish European, 0.000085%; no homozygotes.

Submissions (3):

Ambry Genetics
Classification: Likely benign for Familial thoracic aortic aneurysm and aortic dissection. Last evaluated: 2026-06-25. Review status: criteria provided, single submitter. Criteria: Ambry Variant Classification Scheme 2023. Collection method: clinical testing. Allele origin: germline.

All of Us Research Program, National Institutes of Health
Classification: Likely benign for Familial thoracic aortic aneurysm and aortic dissection. Last evaluated: 2023-06-27. Review status: criteria provided, single submitter. Criteria: ACMG Guidelines, 2015. Collection method: clinical testing. Allele origin: germline. Inheritance: Autosomal dominant inheritance. Observed: 2 variant alleles, 2 heterozygotes.
Comment: This study involves interpretation of variants in research participants for the purpose of population health screening. Participant phenotype was not available at the time of variant classification. Additional details can be found in publication PMID: 35346344, PMCID: PMC8962531

Color Diagnostics, LLC DBA Color Health
Classification: Likely benign for Familial thoracic aortic aneurysm and aortic dissection. Last evaluated: 2019-12-17. Review status: criteria provided, single submitter. Criteria: ACMG Guidelines, 2015. Collection method: clinical testing. Allele origin: germline.

NM_002474.3(MYH11):c.1203C>T (p.Ile401=)

Gene: MYH11 (myosin heavy chain 11; minus strand). Cytogenetic location: 16p13.11.
Variant type: single nucleotide variant.
Coding change: c.1203C>T on transcript NM_002474.3 (MANE Select); coding-DNA position 1203, C replaced by T.
Protein change: p.Ile401=; no amino-acid change (isoleucine 401 retained).
Molecular consequence: synonymous variant.
Genome position (GRCh38, 1-based): chr16:15,760,585, G>A on the plus strand (C>T on the coding strand, the complement: MYH11 is on the minus strand). VCF-style: chr16-15760585-G-A. GRCh37 (hg19) VCF-style: chr16-15854442-G-A.
Other names: c.1224C>T, p.Ile408= (NM_001040113.2, NM_001040114.2); c.1203C>T, p.Ile401= (NM_022844.3); c.1203C>T (NM_002474.2).
Identifiers: ClinVar variation 920186 (VCV000920186.4), dbSNP rs2041845969, ClinGen allele CA493793873.
Genomic context (GRCh38, chr16:15,760,585, plus strand): 5'-TAAGTACATCATTACCTGTTCTTTTGTCTGAGCTTTCTGTACCACATCTCGCCCAACCTT[G>A]ATACGAGGAGTGAGGATGGATCTGGTGAAATCTGTCACATTAATTCCCATGAGGTGGCAA-3'
Protein context (NP_002465.1, residues 391-411): DFTRSILTPR[Ile401=]KVGRDVVQKA